The following is an entry in ClinVar:

ClinVar aggregate classification (germline): Pathogenic (0 of 4 stars; one submission).

Conditions:
Alkaptonuria (AKU). Also called: Alkaptonuric ochronosis; Homogentisic acidura; Alcaptonuria; HOMOGENTISIC ACID OXIDASE DEFICIENCY. Identifiers: Orphanet 56, MedGen C0002066, MONDO:0008753, OMIM 203500.

Allele frequency attached by ClinVar (database versions not stated): TOPMed below 0.00001.

Submission:

Department Of Human Genetics, Institute Of Clinical And Translational Research, Biomedical Research Center, Slovak Academy Of Sciences
Classification: Pathogenic for Alkaptonuria. Review status: no assertion criteria provided. Collection method: research. Allele origin: germline. Inheritance: Autosomal recessive inheritance. Affected: yes. Observed: 1 variant allele.
Comment: The variant was originally described in AKU patient in PMID:25804398. It has been submitted to the HGD gene mutation database (DB-ID: AKU_00161).

Literature cited by the submitters: PubMed 25804398.

NM_000187.4(HGD):c.500C>T (p.Thr167Ile)

Gene: HGD (homogentisate 1,2-dioxygenase; minus strand). Cytogenetic location: 3q13.33.
Variant type: single nucleotide variant.
Coding change: c.500C>T on transcript NM_000187.4 (MANE Select); coding-DNA position 500, C replaced by T.
Protein change: p.Thr167Ile; replaces threonine 167 with isoleucine.
Molecular consequence: missense variant.
Genome position (GRCh38, 1-based): chr3:120,647,022, G>A on the plus strand (C>T on the coding strand, the complement: HGD is on the minus strand). VCF-style: chr3-120647022-G-A. GRCh37 (hg19) VCF-style: chr3-120365869-G-A.
Other names: short protein forms T167I.
Identifiers: ClinVar variation 2626848 (VCV002626848.1), dbSNP rs1232923788, ClinGen allele CA354077082.